The following is an entry in ClinVar:

NM_000548.5(TSC2):c.31_33delinsCTA (p.Leu11=)

Gene: TSC2 (TSC complex subunit 2; plus strand). Cytogenetic location: 16p13.3.
Variant type: Indel.
Coding change: c.31_33delinsCTA on transcript NM_000548.5 (MANE Select); coding-DNA positions 31 to 33, TTG replaced by CTA.
Protein change: p.Leu11=; no amino-acid change (leucine 11 retained).
Molecular consequence: synonymous variant. On other transcripts: 5 prime UTR variant (1), intron variant (1).
Genome position (GRCh38, 1-based): chr16:2,048,646-2,048,648, TTG replaced by CTA. VCF-style: chr16-2048646-TTG-CTA. GRCh37 (hg19) VCF-style: chr16-2098647-TTG-CTA.
Other names: c.31_33delinsCTA, p.Leu11= (NM_001077183.3, NM_001114382.3, NM_001318827.2 and 4 more transcripts); c.-196_-194delinsCTA (NM_001318831.2); c.64_66delinsCTA, p.Leu22= (NM_001318832.2); c.-10+581_-10+583delinsCTA (NM_001318829.2).
Identifiers: ClinVar variation 419946 (VCV000419946.8), dbSNP rs1064794201, ClinGen allele CA16620083.

ClinVar aggregate classification (germline): Benign/Likely benign. Review status: criteria provided, multiple submitters, no conflicts (2 of 4 stars). 4 submissions from 4 submitters: Benign (2); Likely benign (2). Last evaluated 2025-04-30.

Conditions:
Hereditary cancer-predisposing syndrome. Also called: Hereditary neoplastic syndrome; Hereditary Cancer Syndrome; Neoplastic Syndromes, Hereditary; Tumor predisposition. Identifiers: Orphanet 140162, MedGen C0027672, MeSH D009386, MONDO:0015356.
Tuberous sclerosis 2 (TSC2). Identifiers: Orphanet 805, MedGen C1860707, MONDO:0013199, OMIM 613254.

Submissions (4):

Myriad Genetics, Inc.
Classification: Benign for Tuberous sclerosis 2. Last evaluated: 2025-04-30. Review status: criteria provided, single submitter. Criteria: Myriad Autosomal Dominant, Autosomal Recessive and X-Linked Classification Criteria (2023). Collection method: clinical testing. Allele origin: unknown.
Comment: This variant is considered benign. This variant is a silent/synonymous amino acid change and it is not expected to impact splicing.

Genome-Nilou Lab
Classification: Benign for Tuberous sclerosis 2. Last evaluated: 2021-11-07. Review status: criteria provided, single submitter. Criteria: ACMG Guidelines, 2015. Collection method: clinical testing. Allele origin: germline. Affected: no.

Ambry Genetics
Classification: Likely benign for Hereditary cancer-predisposing syndrome. Last evaluated: 2019-12-04. Review status: criteria provided, single submitter. Criteria: Ambry Variant Classification Scheme 2023. Collection method: clinical testing. Allele origin: germline.

GeneDx
Classification: Likely benign. Last evaluated: 2015-10-29. Review status: criteria provided, single submitter. Criteria: GeneDx Variant Classification (06012015). Collection method: clinical testing. Allele origin: germline. Affected: yes.
Comment: This variant is considered likely benign or benign based on one or more of the following criteria: it is a conservative change, it occurs at a poorly conserved position in the protein, it is predicted to be benign by multiple in silico algorithms, and/or has population frequency not consistent with disease.